The following is an entry in ClinVar:

ClinVar aggregate classification (germline): Uncertain significance (1 of 4 stars; one submission).

Conditions:
Age related macular degeneration 4. Identifiers: MedGen C1853147, MONDO:0012540, OMIM 610698.

gnomAD v4.1: 2 of 1,613,940 alleles (0.00012%); highest among the groups gnomAD compares: African/African-American, 0.0013%; no homozygotes.

Submission:

Genomenon, Inc
Classification: Uncertain significance for Age related macular degeneration 4. Last evaluated: 2025-10-02. Review status: criteria provided, single submitter. Criteria: Genomenon Sequence Variant Interpretation Standards - Updated. Collection method: curation. Allele origin: germline. Affected: yes.
Comment: CFH p.Ile970Thr (c.2909T>C) is a missense variant that changes the amino acid at residue 970 from Isoleucine to Threonine. This variant has been observed in at least one proband affected with age-related macular degeneration (PMID:34508573). It is absent or not present at a significant frequency in gnomAD. In silico models agree that this variant is not damaging. In conclusion, we classify CFH p.Ile970Thr (c.2909T>C) as a variant of uncertain significance.

Literature cited by the submitters: PubMed 34508573.

NM_000186.4(CFH):c.2909T>C (p.Ile970Thr)

Gene: CFH (complement factor H; plus strand). Cytogenetic location: 1q31.3.
Variant type: single nucleotide variant.
Coding change: c.2909T>C on transcript NM_000186.4 (MANE Select); coding-DNA position 2909, T replaced by C.
Protein change: p.Ile970Thr; replaces isoleucine 970 with threonine.
Molecular consequence: missense variant.
Genome position (GRCh38, 1-based): chr1:196,740,745, T>C. VCF-style: chr1-196740745-T-C. GRCh37 (hg19) VCF-style: chr1-196709875-T-C.
Other names: short protein forms I970T.
Identifiers: ClinVar variation 4291520 (VCV004291520.1).
Genomic context (GRCh38, chr1:196,740,745, plus strand): 5'-AGTATGGAGAAGAAGTTACGTACAAATGTTTTGAAGGTTTTGGAATTGATGGGCCTGCAA[T>C]TGCAAAATGCTTAGGAGAAAAATGGTCTCACCCTCCATCATGCATAAGTATGGTGCATTG-3'
Protein context (NP_000177.2, residues 960-980): FEGFGIDGPA[Ile970Thr]AKCLGEKWSH